The following is an entry in ClinVar:

ClinVar aggregate classification (germline): Likely benign (1 of 4 stars; one submission).

Submission:

CeGaT Center for Human Genetics Tuebingen
Classification: Likely benign. Last evaluated: 2026-08-01. Review status: criteria provided, single submitter. Criteria: CeGaT Center For Human Genetics Tuebingen Variant Classification Criteria Version 2. Collection method: clinical testing. Allele origin: germline. Affected: yes. Observed: 2 variant alleles.
Comment: PLIN4: BS2

NM_001367868.2(PLIN4):c.3576C>T (p.Phe1192=)

Gene: PLIN4 (perilipin 4; minus strand). Cytogenetic location: 19p13.3.
Variant type: single nucleotide variant.
Coding change: c.3576C>T on transcript NM_001367868.2 (MANE Select); coding-DNA position 3576, C replaced by T.
Protein change: p.Phe1192=; no amino-acid change (phenylalanine 1192 retained).
Molecular consequence: synonymous variant.
Genome position (GRCh38, 1-based): chr19:4,508,894, G>A on the plus strand (C>T on the coding strand, the complement: PLIN4 is on the minus strand). VCF-style: chr19-4508894-G-A. GRCh37 (hg19) VCF-style: chr19-4508906-G-A.
Other names: c.3579C>T, p.Phe1193= (NM_001393888.1, NM_001393889.1); c.3576C>T, p.Phe1192= (NM_001393890.1, NM_001393891.1).
Identifiers: ClinVar variation 4820867 (VCV004820867.4).